The following is an entry in ClinVar:

NM_197968.4(ZMYM2):c.2056GAG[1] (p.Glu687del)

Gene: ZMYM2 (zinc finger MYM-type containing 2; plus strand). Cytogenetic location: 13q12.11.
Variant type: Microsatellite.
Coding change: c.2056GAG[1] on transcript NM_197968.4 (MANE Select); one copy of the 3-base unit GAG starting at c.2056; the reference has two copies in a row; one copy, 3 bases deleted.
Protein change: p.Glu687del; deletes glutamic acid 687.
Molecular consequence: inframe deletion. On other transcripts: non-coding transcript variant (1).
Genome position (GRCh38, 1-based): chr13:20,034,344-20,034,346, GAG deleted; deleting any 3 consecutive bases within chr13:20,034,341-20,034,346 gives the same sequence; the position shown is the placement nearest the transcript's 3' end. VCF-style (leftmost placement, unchanged base first): chr13-20034340-AGAG-A. GRCh37 (hg19) VCF-style: chr13-20608480-AGAG-A.
Other names: c.2056GAG[1], p.Glu687del (NM_001190964.4, NM_001190965.4, NM_001353157.2 and 5 more transcripts); c.1861GAG[1], p.Glu622del (NM_001353161.3); c.1795GAG[1], p.Glu600del (NM_001353163.2); short protein forms E600del, E622del, E687del.
Identifiers: ClinVar variation 3899019 (VCV003899019.1).
Genomic context (GRCh38, chr13:20,034,340, plus strand): 5'-AACTTGTTCAGATGACTATAAGAAGTTGCATTGCATAGTTACATATTGCGAATACTGTCA[AGAG>A]GAGAAGACTCTTCATGAAACAGTAAATTTCTCTGGCGTTAAGAGACCTTTCTGTAGTGAA-3'

ClinVar aggregate classification (germline): Uncertain significance (1 of 4 stars; one submission).

Submission:

GeneDx
Classification: Uncertain significance. Last evaluated: 2024-11-08. Review status: criteria provided, single submitter. Criteria: GeneDx Variant Classification Process June 2021. Collection method: clinical testing. Allele origin: germline. Affected: yes.
Comment: Not observed at significant frequency in large population cohorts (gnomAD); In-frame deletion of 1 amino acid in a non-repeat region; In silico analysis supports a deleterious effect on protein structure/function; Has not been previously published as pathogenic or benign to our knowledge